The following is an entry in ClinVar:

NM_015978.3(TNNI3K):c.2458A>G (p.Met820Val)

Genes: FPGT-TNNI3K (FPGT-TNNI3K readthrough; plus strand), TNNI3K (TNNI3 interacting kinase; plus strand). Cytogenetic location: 1p31.1.
Variant type: single nucleotide variant.
Coding change: c.2458A>G on transcript NM_015978.3 (MANE Select); coding-DNA position 2458, A replaced by G.
Protein change: p.Met820Val; replaces methionine 820 with valine.
Molecular consequence: missense variant.
Genome position (GRCh38, 1-based): chr1:74,543,932, A>G. VCF-style: chr1-74543932-A-G. GRCh37 (hg19) VCF-style: chr1-75009616-A-G.
Other names: c.2761A>G, p.Met921Val (NM_001112808.3); short protein forms M820V, M921V.
Identifiers: ClinVar variation 1933706 (VCV001933706.5), dbSNP rs778080055, ClinGen allele CA909917.

ClinVar aggregate classification (germline): Uncertain significance (1 of 4 stars; one submission).

Allele frequency attached by ClinVar (database versions not stated): ExAC 0.00001; gnomAD 0.00003; TOPMed 0.00003.
gnomAD v4.1: 8 of 1,613,306 alleles (0.0005%); highest among the groups gnomAD compares: African/African-American, 0.004%; no homozygotes.

Submission:

Labcorp Genetics (formerly Invitae), Labcorp
Classification: Uncertain significance. Last evaluated: 2024-11-24. Review status: criteria provided, single submitter. Criteria: Invitae Variant Classification Sherloc (09022015). Collection method: clinical testing. Allele origin: germline.
Comment: This sequence change replaces methionine, which is neutral and non-polar, with valine, which is neutral and non-polar, at codon 820 of the TNNI3K protein (p.Met820Val). This variant is present in population databases (rs778080055, gnomAD 0.004%). This variant has not been reported in the literature in individuals affected with TNNI3K-related conditions. ClinVar contains an entry for this variant (Variation ID: 1933706). An algorithm developed to predict the effect of missense changes on protein structure and function (PolyPhen-2) suggests that this variant is likely to be tolerated. In summary, the available evidence is currently insufficient to determine the role of this variant in disease. Therefore, it has been classified as a Variant of Uncertain Significance.